The following is an entry in ClinVar:

ClinVar aggregate classification (germline): Likely benign. Review status: criteria provided, multiple submitters, no conflicts (2 of 4 stars). 2 submissions from 2 submitters: Likely benign (2). Last evaluated 2025-04-09.

Conditions:
SCLT1-related disorder. Also called: SCLT1-related condition.

Allele frequency attached by ClinVar (database versions not stated): gnomAD exomes below 0.00001; ExAC 0.00001; gnomAD 0.00001; TOPMed 0.00001.
gnomAD v4.1: 8 of 1,519,536 alleles (0.00053%); highest among the groups gnomAD compares: Non-Finnish European, 0.00063%; no homozygotes.

Submissions (2):

PreventionGenetics, part of Exact Sciences
Classification: Likely benign for SCLT1-related condition. Last evaluated: 2025-04-09. Review status: criteria provided, single submitter. Criteria: ACMG Guidelines, 2015. Collection method: clinical testing. Allele origin: germline.
Comment: This variant is classified as likely benign based on ACMG/AMP sequence variant interpretation guidelines (Richards et al. 2015 PMID: 25741868, with internal and published modifications).

Labcorp Genetics (formerly Invitae), Labcorp
Classification: Likely benign. Last evaluated: 2025-01-06. Review status: criteria provided, single submitter. Criteria: Invitae Variant Classification Sherloc (09022015). Collection method: clinical testing. Allele origin: germline.

NM_144643.4(SCLT1):c.1143A>G (p.Lys381=)

Gene: SCLT1 (sodium channel and clathrin linker 1; minus strand). Cytogenetic location: 4q28.2.
Variant type: single nucleotide variant.
Coding change: c.1143A>G on transcript NM_144643.4 (MANE Select); coding-DNA position 1143, A replaced by G.
Protein change: p.Lys381=; no amino-acid change (lysine 381 retained).
Molecular consequence: synonymous variant.
Genome position (GRCh38, 1-based): chr4:128,957,029, T>C on the plus strand (A>G on the coding strand, the complement: SCLT1 is on the minus strand). VCF-style: chr4-128957029-T-C. GRCh37 (hg19) VCF-style: chr4-129878184-T-C.
Other names: c.1143A>G (NM_144643.3).
Identifiers: ClinVar variation 1536026 (VCV001536026.9), dbSNP rs781161163, ClinGen allele CA3079735.